The following is an entry in ClinVar:

NM_001369.3(DNAH5):c.2717G>C (p.Ser906Thr)

Genes: DNAH5 (dynein axonemal heavy chain 5; minus strand), DNAH5-AS1 (DNAH5 antisense RNA 1; plus strand). Cytogenetic location: 5p15.2.
Variant type: single nucleotide variant.
Coding change: c.2717G>C on transcript NM_001369.3 (MANE Select); coding-DNA position 2717, G replaced by C.
Protein change: p.Ser906Thr; replaces serine 906 with threonine.
Molecular consequence: missense variant.
Genome position (GRCh38, 1-based): chr5:13,885,990, C>G on the plus strand (G>C on the coding strand, the complement: DNAH5 is on the minus strand). VCF-style: chr5-13885990-C-G. GRCh37 (hg19) VCF-style: chr5-13886099-C-G.
Other names: short protein forms S906T.
Identifiers: ClinVar variation 946189 (VCV000946189.11), dbSNP rs540038644, ClinGen allele CA3204516.

ClinVar aggregate classification (germline): Conflicting classifications of pathogenicity. Review status: criteria provided, conflicting classifications (1 of 4 stars). 3 submissions from 3 submitters: Uncertain significance (1); Benign (1). 1 of the submissions does not count toward it. Last evaluated 2024-05-08.

Conditions:
Primary ciliary dyskinesia. Also called: Ciliary dyskinesia. Identifiers: Orphanet 244, MedGen C0008780, MONDO:0016575, HP:0012265.

Allele frequency attached by ClinVar (database versions not stated): gnomAD below 0.00001 and 0.00007; TOPMed 0.00001; gnomAD exomes 0.00008; ExAC 0.00009; 1000 Genomes Project 0.00060; 1000 Genomes Project 30x 0.00062.
gnomAD v4.1: 72 of 1,612,718 alleles (0.0045%); highest among the groups gnomAD compares: South Asian, 0.066%; no homozygotes.

Submissions (3):

Labcorp Genetics (formerly Invitae), Labcorp
Classification: Benign for Primary ciliary dyskinesia. Last evaluated: 2024-05-08. Review status: criteria provided, single submitter. Criteria: Invitae Variant Classification Sherloc (09022015). Collection method: clinical testing. Allele origin: germline.

GeneDx
Classification: Uncertain significance. Last evaluated: 2023-07-24. Review status: criteria provided, single submitter. Criteria: GeneDx Variant Classification Process June 2021. Collection method: clinical testing. Allele origin: germline. Affected: yes.
Comment: In silico analysis supports that this missense variant does not alter protein structure/function; Has not been previously published as pathogenic or benign to our knowledge

Natera, Inc.
Classification: Uncertain significance for Primary ciliary dyskinesia. Last evaluated: 2020-05-04. Review status: no assertion criteria provided. Collection method: clinical testing. Allele origin: germline. Not counted in ClinVar's aggregate classification.